The following is an entry in ClinVar:

ClinVar aggregate classification (germline): Likely pathogenic (1 of 4 stars; one submission).

Conditions:
Desbuquois dysplasia 2 (DBQD2). Also called: Baratela-Scott syndrome. Identifiers: Orphanet 1425, MedGen C4014294, MONDO:0014343, OMIM 615777.

Submission:

Juno Genomics, Hangzhou Juno Genomics, Inc
Classification: Likely pathogenic for Desbuquois dysplasia 2. Review status: criteria provided, single submitter. Criteria: ACMG Guidelines, 2015. Collection method: clinical testing. Allele origin: germline.
Comment: Absent from controls (or at extremely low frequency if recessive) in Genome Aggregation Database.;Null variant in a gene where loss of function (LOF) is a known mechanism of disease.

NM_022166.4(XYLT1):c.1300C>T (p.Gln434Ter)

Gene: XYLT1 (xylosyltransferase 1; minus strand). Cytogenetic location: 16p12.3.
Variant type: single nucleotide variant.
Coding change: c.1300C>T on transcript NM_022166.4 (MANE Select); coding-DNA position 1300, C replaced by T.
Protein change: p.Gln434Ter; replaces glutamine 434 with a stop codon.
Molecular consequence: nonsense.
Genome position (GRCh38, 1-based): chr16:17,158,899, G>A on the plus strand (C>T on the coding strand, the complement: XYLT1 is on the minus strand). VCF-style: chr16-17158899-G-A. GRCh37 (hg19) VCF-style: chr16-17252756-G-A.
Other names: short protein forms Q434*.
Identifiers: ClinVar variation 5007643 (VCV005007643.2).
Genomic context (GRCh38, chr16:17,158,899, plus strand): 5'-CCCGGCCGTGTGACTTCAAGAAATTCATATCTCGGTATCGGGAGAGAAACGCCACCAACT[G>A]GTCATTTGTCCTGTGGAAACAAACCAAGGGGAGAGTCAGGCCAGACACCGTGGGTACTGT-3'